The following is an entry in ClinVar:

ClinVar aggregate classification (germline): Pathogenic/Likely pathogenic. Review status: criteria provided, multiple submitters, no conflicts (2 of 4 stars). 14 submissions from 14 submitters: Pathogenic (9); Likely pathogenic (4). 1 of the submissions does not count toward it. Last evaluated 2026-01-19.

Conditions:
Familial cancer of breast. Also called: Hereditary breast cancer; hereditary breast carcinoma; BREAST CANCER, FAMILIAL. Identifiers: Orphanet 227535, MedGen C0346153, MONDO:0016419, OMIM 114480. Disease mechanism: loss of function.
Ataxia-telangiectasia syndrome (AT). Also called: Cerebello-oculocutaneous telangiectasia; Immunodeficiency with ataxia telangiectasia; Ataxia-telangiectasia, complementation group D; AT, COMPLEMENTATION GROUP C; ATAXIA-TELANGIECTASIA, FRESNO VARIANT; ATAXIA-TELANGIECTASIA, COMPLEMENTATION GROUP A. Identifiers: Orphanet 100, MedGen C0004135, MONDO:0008840, OMIM 208900.
Hereditary cancer-predisposing syndrome. Also called: Neoplastic Syndromes, Hereditary; Hereditary Cancer Syndrome; Hereditary neoplastic syndrome; Tumor predisposition. Identifiers: Orphanet 140162, MedGen C0027672, MeSH D009386, MONDO:0015356.
Malignant tumor of breast. Also called: Malignant breast neoplasm; Cancer breast. Identifiers: MedGen C0006142, MONDO:0007254. Disease mechanism: loss of function.

Allele frequency attached by ClinVar (database versions not stated): TOPMed 0.00001.
gnomAD v4.1: 6 of 1,613,346 alleles (0.00037%); highest among the groups gnomAD compares: Non-Finnish European, 0.00042%; no homozygotes.

Submissions 1 to 9 of 14:

Labcorp Genetics (formerly Invitae), Labcorp
Classification: Pathogenic for Ataxia-telangiectasia syndrome. Last evaluated: 2026-01-19. Review status: criteria provided, single submitter. Criteria: Invitae Variant Classification Sherloc (09022015). Collection method: clinical testing. Allele origin: germline.
Comment: This sequence change affects a donor splice site in intron 19 of the ATM gene. RNA analysis indicates that disruption of this splice site induces altered splicing and may result in an absent or altered protein product. This variant is not present in population databases (gnomAD no frequency). Disruption of this splice site has been observed in individuals with ataxia-telangiectasia, colorectal cancer (PMID: 8845835, 11298136, 29478780). ClinVar contains an entry for this variant (Variation ID: 142057). Studies have shown that disruption of this splice site results in skipping of exon 19, and produces a non-functional protein and/or introduces a premature termination codon (PMID: 11298136; internal data). For these reasons, this variant has been classified as Pathogenic.

Quest Diagnostics Nichols Institute San Juan Capistrano
Classification: Pathogenic. Last evaluated: 2025-10-20. Review status: criteria provided, single submitter. Criteria: Quest Diagnostics criteria. Collection method: clinical testing. Allele origin: unknown.
Comment: The ATM c.2921+1G>T variant disrupts a canonical splice-donor site and interferes with normal ATM mRNA splicing. In the published literature, this variant has been reported in individuals with breast cancer (PMID: 38028594 (2023)), colorectal cancer (PMID: 29478780 (2018)), rhabdomyosarcoma (PMID: 34308104 (2021)), and adenomas/polyposis (PMID: 33280026 (2021)). Other variants disrupting this splice site have also been reported as deleterious in individuals with breast/ovarian cancer (PMID: 33280026 (2021), 25186627 (2015)). The frequency of this variant in the general population (Genome Aggregation Database) is consistent with pathogenicity. Based on the available information, this variant is classified as pathogenic .

Ambry Genetics
Classification: Pathogenic for Hereditary cancer-predisposing syndrome. Last evaluated: 2025-06-11. Review status: criteria provided, single submitter. Criteria: Ambry Variant Classification Scheme 2023. Collection method: clinical testing. Allele origin: germline.
Comment: The c.2921+1G>T intronic pathogenic mutation results from a G to T substitution one nucleotide after coding exon 18 of the ATM gene. Another alteration at this same nucleotide position has been reported in a homozygous state in one patient with a clinical diagnosis of ataxia-telangiectasia and in a compound heterozygous state in three patients with clinical diagnoses of ataxia-telangiectasia (Gilad S et al. Hum. Mol. Genet. 1996 Apr;5:433-9; Castellv&iacute;-Bel S et al. Hum. Mutat. 1999;14:156-62; Garc&iacute;a-P&eacute;rez MA et al. Clin. Exp. Immunol. 2001 Mar;123:472-80; Mitui M et al. Hum. Mutat. 2003 Jul;22:43-50). In addition to the clinical data presented in the literature, RNA studies detected abnormal splicing in individuals with the c.2921+1G>T alteration (Ambry internal data). As such, this alteration is classified as a disease-causing mutation.

Natera, Inc.
Classification: Pathogenic for Ataxia-telangiectasia. Last evaluated: 2024-03-25. Review status: criteria provided, single submitter. Criteria: Natera Variant Classification Schema (03/2026). Collection method: clinical testing. Allele origin: germline.
Comment: The c.2921+1G>T variant in ATM is a canonical splice donor site variant predicted to affect pre-mRNA splicing, which may result in an abnormal transcript and altered protein product. This variant is expected to result in nonsense mediated decay, truncation, or a dysfunctional protein product. This variant is rare in the general population with a frequency below the threshold expected for the associated phenotype(s). This variant has been observed in one or more individuals affected with the associated recessive disease, as either homozygous or compound heterozygous with a second variant (PMID: 34686943). Another variant at this same site results in an alteration predicted to cause a similar molecular effect has been observed in individual(s) with the associated phenotype. Given the available evidence, this variant is classified as Pathogenic.

Fulgent Genetics
Classification: Likely pathogenic for Familial cancer of breast; Ataxia-telangiectasia syndrome. Last evaluated: 2024-02-13. Review status: criteria provided, single submitter. Criteria: ACMG Guidelines, 2015. Collection method: clinical testing. Allele origin: germline.

Myriad Genetics, Inc.
Classification: Pathogenic for Familial cancer of breast. Last evaluated: 2024-01-22. Review status: criteria provided, single submitter. Criteria: Myriad Autosomal Dominant, Autosomal Recessive and X-Linked Classification Criteria (2023). Collection method: clinical testing. Allele origin: unknown.
Comment: This variant is considered pathogenic. This variant occurs within a consensus splice junction and is predicted to result in abnormal mRNA splicing of either an out-of-frame exon or an in-frame exon necessary for protein stability and/or normal function.

Women's Health and Genetics/Laboratory Corporation of America, LabCorp
Classification: Likely pathogenic for Malignant tumor of breast. Last evaluated: 2023-08-01. Review status: criteria provided, single submitter. Criteria: LabCorp Variant Classification Summary - May 2015. Collection method: clinical testing. Allele origin: germline.
Comment: Variant summary: ATM c.2921+1G>T is located in a canonical splice-site and is predicted to affect mRNA splicing resulting in a significantly altered protein due to either exon skipping, shortening, or inclusion of intronic material. Several computational tools predict a significant impact on normal splicing: Three predict the variant abolishes the canonical 5 splicing donor site. However, these predictions have yet to be confirmed by functional studies. The variant was absent in 251304 control chromosomes. c.2921+1G>T has been reported in the literature in two individuals affected with Colorectal cancer and early onset Rhabdomyosarcoma, respectively (examples: AlDubayan_2018, Kim_2021). To our knowledge, no experimental evidence demonstrating an impact on protein function has been reported. A different change c.2921+1G>A at this location has been reported in individuals with breast cancer and ovarian cancer and with ataxia-telangiectasia (Pathogenic at Labcorp with Ataxia Telangiectasia, 17 Pathogenic/clinical testing in ClinVar). The following publications have been ascertained in the context of this evaluation (PMID: 29478780, 34308104). Seven submitters have cited clinical-significance assessments for this variant to ClinVar after 2014. All submitters classified the variant as pathogenic/likely pathogenic. Based on the evidence outlined above, the variant was classified as likely pathogenic.

Color Diagnostics, LLC DBA Color Health
Classification: Likely pathogenic for Hereditary cancer-predisposing syndrome. Last evaluated: 2022-08-08. Review status: criteria provided, single submitter. Criteria: ACMG Guidelines, 2015. Collection method: clinical testing. Allele origin: germline.
Comment: This variant causes a G to T nucleotide substitution at the +1 position of intron 19 of the ATM gene. Splice site prediction tools suggest that this variant may have a significant impact on RNA splicing. Although this prediction has not been confirmed in published RNA studies, this variant is expected to result in an absent or disrupted protein product. A different variant affecting the same nucleotide position (c.2921+1G>A) is considered to be disease-causing (ClinVar variation ID: 141182), suggesting that the reference nucleotide at this position is important for normal RNA splicing. This variant has been reported in individuals affected with breast cancer (PMID: 34204722) or colorectal cancer (PMID: 29478780). This variant has not been identified in the general population by the Genome Aggregation Database (gnomAD). Loss of ATM function is a known mechanism of disease. Based on the available evidence, this variant is classified as Likely Pathogenic.

Sema4
Classification: Pathogenic for Hereditary cancer-predisposing syndrome. Last evaluated: 2021-11-27. Review status: criteria provided, single submitter. Criteria: Sema4 Curation Guidelines. Collection method: curation. Allele origin: germline.
Comment: The ATM c.2921+1G>T variant has been reported in at least 2 individuals with colorectal cancer and polyposis and adenomas (PMID: 29478780, 33280026). This variant affects a nucleotide within a consensus splice site of an intron. This variant may cause exon skipping, intron retention or use of a cryptic splice site. Loss of function variants in ATM are known to be pathogenic (PMID: 31050087). This variant was not observed in the large and broad cohorts of the Genome Aggregation Database (PMID: 32461654). This variant has been reported in ClinVar (Variation ID 142057). A different c.2921+1G>A change at this location has been reported in individuals with breast cancer and ovarian cancer (PMID: 34204722, 33280026) and with ataxia-telangiectasia (PMID: 23322442, 11298136, 10425038, 12815592). Based on the current evidence available, this variant is interpreted as pathogenic.

NM_000051.4(ATM):c.2921+1G>T

Gene: ATM (ATM serine/threonine kinase; plus strand). Cytogenetic location: 11q22.3.
Variant type: single nucleotide variant.
Coding change: c.2921+1G>T on transcript NM_000051.4 (MANE Select); the canonical splice donor site of the intron after coding-DNA position 2921, G replaced by T.
Molecular consequence: splice donor variant.
Genome position (GRCh38, 1-based): chr11:108,271,147, G>T. VCF-style: chr11-108271147-G-T. GRCh37 (hg19) VCF-style: chr11-108141874-G-T.
Other names: c.2921+1G>T (NM_001351834.2).
Identifiers: ClinVar variation 142057 (VCV000142057.32), dbSNP rs587781558, ClinGen allele CA167275.
Genomic context (GRCh38, chr11:108,271,147, plus strand): 5'-TCCTGGAGAAGAGTACCCCTTGCCAATGGAAGATGTTCTTGAACTTCTGAAACCACTATC[G>T]TAAGAAATTAAAACCTTATGTTATGTTCACTTTAAAGTTATAAAATAACTGATGTGTTCT-3'